The following is an entry in ClinVar:

ClinVar aggregate classification (germline): Conflicting classifications of pathogenicity. Review status: criteria provided, conflicting classifications (1 of 4 stars). 5 submissions from 5 submitters: Uncertain significance (1); Likely benign (4). Last evaluated 2026-01-23.

Conditions:
Inborn genetic diseases. Identifiers: MedGen C0950123, MeSH D030342.
Fibrous dysplasia of jaw (CRBM). Also called: Cherubism. Identifiers: Orphanet 184, MedGen C0008029, MONDO:0007315, OMIM 118400.

Allele frequency attached by ClinVar (database versions not stated): ESP Exome Variant Server 0.00008; gnomAD 0.00008 and 0.00009; TOPMed 0.00014; 1000 Genomes Project 30x 0.00016; 1000 Genomes Project 0.00020; gnomAD exomes 0.00027 and 0.00029; ExAC 0.00053.
gnomAD v4.1: 402 of 1,606,062 alleles (0.025%); highest among the groups gnomAD compares: South Asian, 0.086%; 2 homozygotes.

Submissions (5):

Women's Health and Genetics/Laboratory Corporation of America, LabCorp
Classification: Likely benign. Last evaluated: 2026-01-23. Review status: criteria provided, single submitter. Criteria: LabCorp Variant Classification Summary - May 2015. Collection method: clinical testing. Allele origin: germline.

Labcorp Genetics (formerly Invitae), Labcorp
Classification: Likely benign for Fibrous dysplasia of jaw. Last evaluated: 2026-01-17. Review status: criteria provided, single submitter. Criteria: Invitae Variant Classification Sherloc (09022015). Collection method: clinical testing. Allele origin: germline.

Mayo Clinic Laboratories, Mayo Clinic
Classification: Likely benign. Last evaluated: 2024-12-23. Review status: criteria provided, single submitter. Criteria: ACMG Guidelines, 2015. Collection method: clinical testing. Allele origin: germline. Observed: 2 variant alleles.
Comment: BS1

Blueprint Genetics
Classification: Likely benign. Last evaluated: 2024-09-25. Review status: criteria provided, single submitter. Criteria: ACMG Guidelines, 2015. Collection method: clinical testing. Allele origin: germline.

Ambry Genetics
Classification: Uncertain significance for Inborn genetic diseases. Last evaluated: 2024-03-15. Review status: criteria provided, single submitter. Criteria: Ambry Variant Classification Scheme 2023. Collection method: clinical testing. Allele origin: germline.

NM_001122681.2(SH3BP2):c.1294C>T (p.Arg432Trp)

Gene: SH3BP2 (SH3 domain binding protein 2; plus strand). Cytogenetic location: 4p16.3.
Variant type: single nucleotide variant.
Coding change: c.1294C>T on transcript NM_001122681.2 (MANE Select); coding-DNA position 1294, C replaced by T.
Protein change: p.Arg432Trp; replaces arginine 432 with tryptophan.
Molecular consequence: missense variant.
Genome position (GRCh38, 1-based): chr4:2,831,623, C>T. VCF-style: chr4-2831623-C-T. GRCh37 (hg19) VCF-style: chr4-2833350-C-T.
Other names: p.Arg432Trp; c.1378C>T, p.Arg460Trp (NM_001145855.2); c.1465C>T, p.Arg489Trp (NM_001145856.2); c.1294C>T, p.Arg432Trp (NM_003023.4); short protein forms R432W, R460W, R489W.
Identifiers: ClinVar variation 1132791 (VCV001132791.13), dbSNP rs373894173, ClinGen allele CA2819456.